The following is an entry in ClinVar:

NM_020964.3(EPG5):c.2813_2824del (p.Gly938_Ser941del)

Gene: EPG5 (ectopic P-granules 5 autophagy tethering factor; minus strand). Cytogenetic location: 18q21.1.
Variant type: Deletion.
Coding change: c.2813_2824del on transcript NM_020964.3 (MANE Select); coding-DNA positions 2813 to 2824, 12 bases deleted (GGATTCTCTCTG).
Protein change: p.Gly938_Ser941del.
Molecular consequence: inframe deletion. On other transcripts: inframe indel (2).
Genome position (GRCh38, 1-based): chr18:45,923,282-45,923,293, CAGAGAGAATCC deleted on the plus strand (GGATTCTCTCTG on the coding strand, the reverse complement: EPG5 is on the minus strand); deleting any 12 consecutive bases within chr18:45,923,282-45,923,296 gives the same sequence; the c. name uses the placement nearest the transcript's 3' end. VCF-style (leftmost placement, unchanged base first): chr18-45923281-TCAGAGAGAATCC-T. GRCh37 (hg19) VCF-style: chr18-43503247-TCAGAGAGAATCC-T.
Other names: c.2810_2821delCTGGGATTCTCT, p.Gly938_Ser941del (NM_001410858.1, NM_001410859.1).
Identifiers: ClinVar variation 1956751 (VCV001956751.5), dbSNP rs1568158743, ClinGen allele CA629482184.

ClinVar aggregate classification (germline): Uncertain significance (1 of 4 stars; one submission).

Conditions:
Vici syndrome (VICIS). Identifiers: Orphanet 1493, MedGen C1855772, MONDO:0009452, OMIM 242840.

Submission:

Labcorp Genetics (formerly Invitae), Labcorp
Classification: Uncertain significance for Vici syndrome. Last evaluated: 2024-10-24. Review status: criteria provided, single submitter. Criteria: Invitae Variant Classification Sherloc (09022015). Collection method: clinical testing. Allele origin: germline.
Comment: This variant, c.2813_2824del, results in the deletion of 4 amino acid(s) of the EPG5 protein (p.Gly938_Ser941del), but otherwise preserves the integrity of the reading frame. This variant is present in population databases (no rsID available, gnomAD 0.0009%). This variant has not been reported in the literature in individuals affected with EPG5-related conditions. ClinVar contains an entry for this variant (Variation ID: 1956751). Experimental studies and prediction algorithms are not available or were not evaluated, and the functional significance of this variant is currently unknown. In summary, the available evidence is currently insufficient to determine the role of this variant in disease. Therefore, it has been classified as a Variant of Uncertain Significance.